The following is an entry in ClinVar:

ClinVar aggregate classification (germline): Uncertain significance (1 of 4 stars; one submission).

Conditions:
Cardiovascular phenotype. Identifiers: MedGen CN230736.

gnomAD v4.1: 1 of 1,613,748 alleles (0.000062%); highest among the groups gnomAD compares: South Asian, 0.0011%; no homozygotes.

Submission:

Ambry Genetics
Classification: Uncertain significance for Cardiovascular phenotype. Last evaluated: 2022-12-30. Review status: criteria provided, single submitter. Criteria: Ambry Variant Classification Scheme 2023. Collection method: clinical testing. Allele origin: germline.
Comment: The c.740+5G>A intronic variant results from a G to A substitution 5 nucleotides after coding exon 2 in the LOX gene. This nucleotide position is not well conserved in available vertebrate species. In silico splice site analysis predicts that this alteration will not have any significant effect on splicing. Since supporting evidence is limited at this time, the clinical significance of this alteration remains unclear.

NM_002317.7(LOX):c.740+5G>A

Genes: LOX (lysyl oxidase; minus strand), SRFBP1 (serum response factor binding protein 1; plus strand). Cytogenetic location: 5q23.1.
Variant type: single nucleotide variant.
Coding change: c.740+5G>A on transcript NM_002317.7 (MANE Select); 5 bases into the intron after coding-DNA position 740, G replaced by A.
Molecular consequence: intron variant.
Genome position (GRCh38, 1-based): chr5:122,076,888, C>T on the plus strand (G>A on the coding strand, the complement: LOX is on the minus strand). VCF-style: chr5-122076888-C-T. GRCh37 (hg19) VCF-style: chr5-121412583-C-T.
Other names: c.50+5G>A (NM_001178102.2); c.-152+204G>A (NM_001317073.1).
Identifiers: ClinVar variation 2451964 (VCV002451964.2), dbSNP rs1383826431, ClinGen allele CA1578379170.
Genomic context (GRCh38, chr5:122,076,888, plus strand): 5'-CCAGGCACCAGAGCGCCCCCTGAAGGTAGACCGGGGAGCGGGGCCTCAGACATATCAGCC[C>T]GTACCTGGCCAGACAGTTTTCCTCCGCCGCGCATCTCAGGTTGTACATGGACATCTTCTG-3'